The following is an entry in ClinVar:

NM_003175.4(XCL2):c.78C>T (p.Val26=)

Gene: XCL2 (X-C motif chemokine ligand 2; minus strand). Cytogenetic location: 1q24.2.
Variant type: single nucleotide variant.
Coding change: c.78C>T on transcript NM_003175.4 (MANE Select); coding-DNA position 78, C replaced by T.
Protein change: p.Val26=; no amino-acid change (valine 26 retained).
Molecular consequence: synonymous variant.
Genome position (GRCh38, 1-based): chr1:168,542,091, G>A on the plus strand (C>T on the coding strand, the complement: XCL2 is on the minus strand). VCF-style: chr1-168542091-G-A. GRCh37 (hg19) VCF-style: chr1-168511329-G-A.
Identifiers: ClinVar variation 2639533 (VCV002639533.24), dbSNP rs763023609, ClinGen allele CA1230970.
Genomic context (GRCh38, chr1:168,542,091, plus strand): 5'-CTTGATTCTGCTAACTGGCAGTCGCTGGGTAGTGAGGCTCACACAGGTCCTCCTATGTGA[G>A]ACTTCACTCCCTACACCTGATGAGGAAAAAAAAACAACAGACAATTAAAAATAAAGCAAT-3'
Protein context (NP_003166.1, residues 16-36): AYIVEGVGSE[Val26=]SHRRTCVSLT

ClinVar aggregate classification (germline): Likely benign (1 of 4 stars; one submission).

Allele frequency attached by ClinVar (database versions not stated): ExAC 0.00002; gnomAD 0.00003; TOPMed 0.00003.
gnomAD v4.1: 49 of 1,527,766 alleles (0.0032%); highest among the groups gnomAD compares: Non-Finnish European, 0.0039%; 6 homozygotes.

Submission:

CeGaT Center for Human Genetics Tuebingen
Classification: Likely benign. Last evaluated: 2022-11-01. Review status: criteria provided, single submitter. Criteria: CeGaT Center For Human Genetics Tuebingen Variant Classification Criteria Version 2. Collection method: clinical testing. Allele origin: germline. Affected: yes. Observed: 1 variant allele.
Comment: XCL2: BP4, BP7